The following is an entry in ClinVar:

ClinVar aggregate classification (germline): Conflicting classifications of pathogenicity. Review status: criteria provided, conflicting classifications (1 of 4 stars). 8 submissions from 8 submitters: Uncertain significance (2); Benign (1); Likely benign (2). 3 of the submissions do not count toward it. Last evaluated 2026-01-19.

Conditions:
Inborn genetic diseases. Identifiers: MedGen C0950123, MeSH D030342.
Congenital stationary night blindness 1D. Also called: Night blindness, congenital stationary (complete), 1D, autosomal recessive. Identifiers: Orphanet 215, MedGen C3151193, MONDO:0013450, OMIM 613830.
SLC24A1-related disorder. Also called: SLC24A1-related condition.

Allele frequency attached by ClinVar (database versions not stated): ESP Exome Variant Server 0.00024; 1000 Genomes Project 0.00040; gnomAD 0.00044 and 0.00045; 1000 Genomes Project 30x 0.00047; gnomAD exomes 0.00047; TOPMed 0.00056; ExAC 0.00069.

Submissions (8):

Labcorp Genetics (formerly Invitae), Labcorp
Classification: Benign. Last evaluated: 2026-01-19. Review status: criteria provided, single submitter. Criteria: Invitae Variant Classification Sherloc (09022015). Collection method: clinical testing. Allele origin: germline.

Blueprint Genetics
Classification: Likely benign. Last evaluated: 2024-10-31. Review status: criteria provided, single submitter. Criteria: ACMG Guidelines, 2015. Collection method: clinical testing. Allele origin: germline.

Ambry Genetics
Classification: Uncertain significance for Inborn genetic diseases. Last evaluated: 2021-10-21. Review status: criteria provided, single submitter. Criteria: Ambry Variant Classification Scheme 2023. Collection method: clinical testing. Allele origin: germline.

Eurofins Ntd Llc (ga)
Classification: Likely benign. Last evaluated: 2018-03-30. Review status: criteria provided, single submitter. Criteria: EGL ClinVar v180209 classification definitions. Collection method: clinical testing. Allele origin: germline. Observed: 1 variant allele, 1 heterozygote.

Illumina Laboratory Services, Illumina
Classification: Uncertain significance for Congenital stationary night blindness 1D. Last evaluated: 2018-01-13. Review status: criteria provided, single submitter. Criteria: ICSL Variant Classification Criteria 13 December 2019. Collection method: clinical testing. Allele origin: germline.

PreventionGenetics, part of Exact Sciences
Classification: Likely benign for SLC24A1-related condition. Last evaluated: 2019-07-19. Review status: no assertion criteria provided. Collection method: clinical testing. Allele origin: germline. Not counted in ClinVar's aggregate classification.
Comment: This variant is classified as likely benign based on ACMG/AMP sequence variant interpretation guidelines (Richards et al. 2015 PMID: 25741868, with internal and published modifications).

Clinical Genetics DNA and cytogenetics Diagnostics Lab, Erasmus MC, Erasmus Medical Center
Classification: Uncertain significance. Review status: no assertion criteria provided. Collection method: clinical testing. Allele origin: germline. Affected: yes. Study: VKGL Data-share Consensus. Not counted in ClinVar's aggregate classification.

Genome Diagnostics Laboratory, Amsterdam University Medical Center
Classification: Uncertain significance. Review status: no assertion criteria provided. Collection method: clinical testing. Allele origin: germline. Affected: yes. Study: VKGL Data-share Consensus. Not counted in ClinVar's aggregate classification.

NM_004727.3(SLC24A1):c.2183C>T (p.Ala728Val)

Gene: SLC24A1 (solute carrier family 24 member 1; plus strand). Cytogenetic location: 15q22.31.
Variant type: single nucleotide variant.
Coding change: c.2183C>T on transcript NM_004727.3 (MANE Select); coding-DNA position 2183, C replaced by T.
Protein change: p.Ala728Val; replaces alanine 728 with valine.
Molecular consequence: missense variant.
Genome position (GRCh38, 1-based): chr15:65,645,654, C>T. VCF-style: chr15-65645654-C-T. GRCh37 (hg19) VCF-style: chr15-65937992-C-T.
Other names: c.164C>T, p.Ala55Val (NM_001254740.2); c.2183C>T, p.Ala728Val (NM_001301031.1); c.2129C>T, p.Ala710Val (NM_001301032.1, NM_001301033.2); short protein forms A728V, A55V, A710V.
Identifiers: ClinVar variation 316801 (VCV000316801.23), dbSNP rs201943537, ClinGen allele CA7620113.